The following is an entry in ClinVar:

ClinVar aggregate classification (germline): Uncertain significance (1 of 4 stars; one submission).

Conditions:
Inborn genetic diseases. Identifiers: MedGen C0950123, MeSH D030342.

Submission:

Ambry Genetics
Classification: Uncertain significance for Inborn genetic diseases. Last evaluated: 2025-01-15. Review status: criteria provided, single submitter. Criteria: Ambry Variant Classification Scheme 2023. Collection method: clinical testing. Allele origin: germline.
Comment: The p.E244D variant (also known as c.732G>C), located in coding exon 5 of the MECOM gene, results from a G to C substitution at nucleotide position 732. The glutamic acid at codon 244 is replaced by aspartic acid, an amino acid with highly similar properties. This amino acid position is conserved. In addition, this alteration is predicted to be tolerated by in silico analysis. Based on the available evidence, the clinical significance of this variant remains unclear.

NM_004991.4(MECOM):c.732G>C (p.Glu244Asp)

Gene: MECOM (MDS1 and EVI1 complex locus; minus strand). Cytogenetic location: 3q26.2.
Variant type: single nucleotide variant.
Coding change: c.732G>C on transcript NM_004991.4 (MANE Select); coding-DNA position 732, G replaced by C.
Protein change: p.Glu244Asp; replaces glutamic acid 244 with aspartic acid.
Molecular consequence: missense variant.
Genome position (GRCh38, 1-based): chr3:169,127,942, C>G on the plus strand (G>C on the coding strand, the complement: MECOM is on the minus strand). VCF-style: chr3-169127942-C-G. GRCh37 (hg19) VCF-style: chr3-168845730-C-G.
Other names: c.360G>C, p.Glu120Asp (NM_001105077.4); c.168G>C, p.Glu56Asp (NM_001105078.4, NM_001163999.2, NM_001164000.2 and 9 more transcripts); c.732G>C, p.Glu244Asp (NM_001366466.2, NM_001366473.2); short protein forms E244D, E56D, E120D.
Identifiers: ClinVar variation 3871716 (VCV003871716.1).